The following is an entry in ClinVar:

NM_004333.6(BRAF):c.1178-274T>A

Gene: BRAF (B-Raf proto-oncogene, serine/threonine kinase; minus strand). Cytogenetic location: 7q34.
Variant type: single nucleotide variant.
Coding change: c.1178-274T>A on transcript NM_004333.6 (MANE Select); 274 bases into the intron before coding-DNA position 1178, T replaced by A.
Molecular consequence: intron variant.
Genome position (GRCh38, 1-based): chr7:140,783,431, A>T on the plus strand (T>A on the coding strand, the complement: BRAF is on the minus strand). VCF-style: chr7-140783431-A-T. GRCh37 (hg19) VCF-style: chr7-140483231-A-T.
Other names: c.1178-274T>A (NM_001378474.1, NM_001378468.1, NM_001354609.2); c.1076-274T>A (NM_001378470.1); c.914-274T>A (NM_001378475.1); c.1141-348T>A (NM_001378471.1); c.1298-274T>A (NM_001374258.1, NM_001374244.1); c.1187-274T>A (NM_001378467.1); c.1022-274T>A (NM_001378472.1, NM_001378473.1); c.1178-340T>A (NM_001378469.1).
Identifiers: ClinVar variation 561814 (VCV000561814.1), dbSNP rs7810726, ClinGen allele CA15499609.

ClinVar aggregate classification (germline): Benign (1 of 4 stars; one submission).

Allele frequency attached by ClinVar (database versions not stated): gnomAD exomes 0.01550; gnomAD 0.09442 and 0.10133; 1000 Genomes Project 0.09984; 1000 Genomes Project 30x 0.10618; TOPMed 0.10773.
gnomAD v4.1: 17,272 of 333,074 alleles (5.2%); highest among the groups gnomAD compares: African/African-American, 32%; 2,473 homozygotes.

Submission:

GeneDx
Classification: Benign. Last evaluated: 2018-06-18. Review status: criteria provided, single submitter. Criteria: GeneDx Variant Classification (06012015). Collection method: clinical testing. Allele origin: germline. Affected: yes.
Comment: This variant is considered likely benign or benign based on one or more of the following criteria: it is a conservative change, it occurs at a poorly conserved position in the protein, it is predicted to be benign by multiple in silico algorithms, and/or has population frequency not consistent with disease.